The following is an entry in ClinVar:

NM_001163435.3(TBCK):c.468C>G (p.Tyr156Ter)

Gene: TBCK (TBC1 domain containing kinase; minus strand). Cytogenetic location: 4q24.
Variant type: single nucleotide variant.
Coding change: c.468C>G on transcript NM_001163435.3 (MANE Select); coding-DNA position 468, C replaced by G.
Protein change: p.Tyr156Ter; replaces tyrosine 156 with a stop codon.
Molecular consequence: nonsense. On other transcripts: 5 prime UTR variant (1).
Genome position (GRCh38, 1-based): chr4:106,251,995, G>C on the plus strand (C>G on the coding strand, the complement: TBCK is on the minus strand). VCF-style: chr4-106251995-G-C. GRCh37 (hg19) VCF-style: chr4-107173152-G-C.
Other names: NM_001163435.3(TBCK):c.468C>G; p.Tyr156Ter; c.468C>G, p.Tyr156Ter (NM_001163436.4, NM_001163437.3); c.-49C>G (NM_001290768.2); c.279C>G, p.Tyr93Ter (NM_033115.5); short protein forms Y156*, Y93*.
Identifiers: ClinVar variation 2574702 (VCV002574702.2), dbSNP rs749416609, ClinGen allele CA357825651.

ClinVar aggregate classification (germline): Likely pathogenic. Review status: criteria provided, multiple submitters, no conflicts (2 of 4 stars). 2 submissions from 2 submitters: Likely pathogenic (2). Last evaluated 2025-01-15.

Conditions:
Hypotonia, infantile, with psychomotor retardation and characteristic facies 3 (IHPRF3). Also called: TBCK-Related Neurodevelopmental Disorder. Identifiers: Orphanet 488632, MedGen C5567480, MONDO:0014823, OMIM 616900.

gnomAD v4.1: 2 of 1,606,784 alleles (0.00012%); highest among the groups gnomAD compares: Non-Finnish European, 0.00017%; no homozygotes.

Submissions (2):

Broad Center for Mendelian Genomics, Broad Institute of MIT and Harvard
Classification: Likely pathogenic for Hypotonia, infantile, with psychomotor retardation and characteristic facies 3. Last evaluated: 2025-01-15. Review status: criteria provided, single submitter. Criteria: ACMG Guidelines, 2015. Collection method: curation. Allele origin: germline. Inheritance: Autosomal recessive inheritance.
Comment: The p.Tyr156Ter variant in TBCK has not been previously reported in the literature in individuals with TBCK-related intellectual disability syndrome, but has been identified in 0.0002% (2/1176490) of European (non-Finnish) chromosomes by the Genome Aggregation Database (gnomAD). Although this variant has been seen in the general population in a heterozygous state, its frequency is low enough to be consistent with a recessive carrier frequency. This variant has also been reported in ClinVar (Variation ID: 2574702) and has been interpreted as likely pathogenic by Institute of Human Genetics, University of Goettingen. This nonsense variant leads to a premature termination codon at position 156, which is predicted to lead to a truncated or absent protein. Loss of function of the TBCK gene is an established disease mechanism in autosomal recessive TBCK-related intellectual disability syndrome. In summary, although additional studies are required to fully establish its clinical significance, this variant is likely pathogenic for autosomal recessive TBCK-related intellectual disability syndrome. ACMG/AMP Criteria applied: PVS1, PM2_supporting (Richards 2015).

Institute of Human Genetics, University of Goettingen
Classification: Likely pathogenic for Hypotonia, infantile, with psychomotor retardation and characteristic facies 3. Last evaluated: 2023-08-07. Review status: criteria provided, single submitter. Criteria: ACMG Guidelines, 2015. Collection method: clinical testing. Allele origin: germline. Inheritance: Autosomal recessive inheritance. Affected: yes.